The following is an entry in ClinVar:

ClinVar aggregate classification (germline): Uncertain significance (1 of 4 stars; one submission).

Submission:

GeneDx
Classification: Uncertain significance. Last evaluated: 2023-11-15. Review status: criteria provided, single submitter. Criteria: GeneDx Variant Classification Process June 2021. Collection method: clinical testing. Allele origin: germline.
Comment: Not observed at significant frequency in large population cohorts (gnomAD); In silico analysis supports that this missense variant has a deleterious effect on protein structure/function; Has not been previously published as pathogenic or benign to our knowledge

NM_001366145.2(TRPM3):c.2941G>T (p.Gly981Trp)

Gene: TRPM3 (transient receptor potential cation channel subfamily M member 3; minus strand). Cytogenetic location: 9q21.12.
Variant type: single nucleotide variant.
Coding change: c.2941G>T on transcript NM_001366145.2 (MANE Select); coding-DNA position 2941, G replaced by T.
Protein change: p.Gly981Trp; replaces glycine 981 with tryptophan.
Molecular consequence: missense variant.
Genome position (GRCh38, 1-based): chr9:70,598,526, C>A on the plus strand (G>T on the coding strand, the complement: TRPM3 is on the minus strand). VCF-style: chr9-70598526-C-A. GRCh37 (hg19) VCF-style: chr9-73213442-C-A.
Other names: c.2905G>T, p.Gly969Trp (NM_001007471.4, NM_001366151.2); c.2911G>T, p.Gly971Trp (NM_001366141.2, NM_001366143.2, NM_001366149.2); c.2947G>T, p.Gly983Trp (NM_001366142.2); c.2941G>T, p.Gly981Trp (NM_001366146.2); c.3016G>T, p.Gly1006Trp (NM_001366147.2, NM_001366152.2); c.2986G>T, p.Gly996Trp (NM_001366148.2); c.2875G>T, p.Gly959Trp (NM_001366150.2); c.2482G>T, p.Gly828Trp (NM_001366154.2, NM_024971.7); and 5 more; short protein forms G1006W, G806W, G816W, G818W, G828W, G831W, G841W, G959W.
Identifiers: ClinVar variation 2580046 (VCV002580046.2), dbSNP rs2538998935, ClinGen allele CA373555063.